The following is an entry in ClinVar:

ClinVar aggregate classification (germline): Likely benign. Review status: criteria provided, multiple submitters, no conflicts (2 of 4 stars). 3 submissions from 3 submitters: Likely benign (2). 1 of the submissions does not count toward it. Last evaluated 2025-01-01.

Conditions:
SETBP1-related disorder. Also called: SETBP1-related condition; SETBP1-related disorders.

Submissions (3):

CeGaT Center for Human Genetics Tuebingen
Classification: Likely benign. Last evaluated: 2025-01-01. Review status: criteria provided, single submitter. Criteria: CeGaT Center For Human Genetics Tuebingen Variant Classification Criteria Version 2. Collection method: clinical testing. Allele origin: germline. Affected: yes. Observed: 1 variant allele.
Comment: SETBP1: BP4, BP7

Blueprint Genetics
Classification: Likely benign. Last evaluated: 2024-11-08. Review status: criteria provided, single submitter. Criteria: ACMG Guidelines, 2015. Collection method: clinical testing. Allele origin: germline.

PreventionGenetics, part of Exact Sciences
Classification: Likely benign for SETBP1-related condition. Last evaluated: 2021-12-06. Review status: no assertion criteria provided. Collection method: clinical testing. Allele origin: germline. Not counted in ClinVar's aggregate classification.
Comment: This variant is classified as likely benign based on ACMG/AMP sequence variant interpretation guidelines (Richards et al. 2015 PMID: 25741868, with internal and published modifications).

NM_015559.3(SETBP1):c.4608A>C (p.Pro1536=)

Gene: SETBP1 (SET binding protein 1; plus strand). Cytogenetic location: 18q12.3.
Variant type: single nucleotide variant.
Coding change: c.4608A>C on transcript NM_015559.3 (MANE Select); coding-DNA position 4608, A replaced by C.
Protein change: p.Pro1536=; no amino-acid change (proline 1536 retained).
Molecular consequence: synonymous variant.
Genome position (GRCh38, 1-based): chr18:45,063,515, A>C. VCF-style: chr18-45063515-A-C. GRCh37 (hg19) VCF-style: chr18-42643480-A-C.
Other names: c.4608A>C, p.Pro1536= (NM_001379141.1, NM_001379142.1); c.4437A>C, p.Pro1479= (NM_001410862.1).
Identifiers: ClinVar variation 3037403 (VCV003037403.16), dbSNP rs1237625718, ClinGen allele CA503898449.